The following is an entry in ClinVar:

ClinVar aggregate classification (germline): Pathogenic (1 of 4 stars; one submission).

Conditions:
Mucopolysaccharidosis, MPS-II (MPS2). Also called: Hunter Syndrome; IDURONATE 2-SULFATASE DEFICIENCY; Mucopolysaccharidosis Type II; Mucopolysaccharidosis type 2; Attenuated MPS (subtype; formerly known as mild MPS II); Severe MPS II. Identifiers: Orphanet 580, Orphanet 79388, MedGen C0026705, MONDO:0010674, OMIM 309900.

Submission:

Laboratory of Diagnosis and Therapy of Lysosomal Disorders, University of Padova
Classification: Pathogenic for Mucopolysaccharidosis, MPS-II. Last evaluated: 2024-06-07. Review status: criteria provided, single submitter. Criteria: ACMG Guidelines, 2015. Collection method: literature only. Allele origin: germline. Affected: yes. Observed: 2 variant alleles.
Comment: Null variant (PVS1_Strong), Absent from controls (or at low frequency) in gnomAD database (PM2_Moderate), Patient’s phenotype or family history highly specific for the disease (PP4_Strong)

Classification method: ACMG Guidelines [PMID:25741868] with modifications

Literature cited by the submitters: PubMed 22976768; PubMed 30639582.

NM_000202.8(IDS):c.1274del (p.Pro425fs)

Gene: IDS (iduronate 2-sulfatase; minus strand). Cytogenetic location: Xq28.
Variant type: Deletion.
Coding change: c.1274del on transcript NM_000202.8 (MANE Select); coding-DNA position 1274, one base deleted (C; older notation c.1274delC).
Protein change: p.Pro425fs; shifts the reading frame from proline 425.
Molecular consequence: frameshift variant.
Genome position (GRCh38, 1-based): chrX:149,483,125, G deleted on the plus strand (C on the coding strand, the reverse complement: IDS is on the minus strand); the first of 2 consecutive G bases (chrX:149,483,125-149,483,126); deleting either gives the same sequence. VCF-style (leftmost placement, unchanged base first): chrX-149483124-AG-A. GRCh37 (hg19) VCF-style: chrX-148564655-AG-A.
Other names: c.1004del, p.Pro335fs (NM_001166550.4); short protein forms P335fs, P425fs.
Identifiers: ClinVar variation 3256013 (VCV003256013.2).
Genomic context (GRCh38, chrX:149,483,124, plus strand): 5'-ACGGAATCGAAAATGCTTCAGAAGGTTCTTGCCTTCTCTGCACAGCTCAACGTGAAATGA[AG>A]GAACGGGGCAGCGAGGTGGAACCTGCAGTCCTGCAAGTCCAGCCAGCGTGGGAAAAAGAG-3'